The following is an entry in ClinVar:

NM_014363.6(SACS):c.2987T>G (p.Leu996Ter)

Gene: SACS (sacsin molecular chaperone; minus strand). Cytogenetic location: 13q12.12.
Variant type: single nucleotide variant.
Coding change: c.2987T>G on transcript NM_014363.6 (MANE Select); coding-DNA position 2987, T replaced by G.
Protein change: p.Leu996Ter; replaces leucine 996 with a stop codon.
Molecular consequence: nonsense.
Genome position (GRCh38, 1-based): chr13:23,340,889, A>C on the plus strand (T>G on the coding strand, the complement: SACS is on the minus strand). VCF-style: chr13-23340889-A-C. GRCh37 (hg19) VCF-style: chr13-23915028-A-C.
Other names: p.Leu996*; c.2546T>G, p.Leu849Ter (NM_001278055.2); c.2987T>G (NM_014363.5); short protein forms L849*, L996*.
Identifiers: ClinVar variation 1424932 (VCV001424932.11), dbSNP rs1450257625, ClinGen allele CA387537048.

ClinVar aggregate classification (germline): Pathogenic/Likely pathogenic. Review status: criteria provided, multiple submitters, no conflicts (2 of 4 stars). 5 submissions from 5 submitters: Pathogenic (2); Likely pathogenic (3). Last evaluated 2024-05-13.

Conditions:
Spastic paraplegia. Identifiers: MedGen C0037772, HP:0001258.
Charlevoix-Saguenay spastic ataxia (SACS). Also called: AUTOSOMAL RECESSIVE SPASTIC ATAXIA OF CHARLEVOIX-SAGUENAY; SPASTIC ATAXIA 6, AUTOSOMAL RECESSIVE; Spastic ataxia of Charlevoix-Saguenay. Identifiers: Orphanet 98, MedGen C1849140, MONDO:0010041, OMIM 270550.

Allele frequency attached by ClinVar (database versions not stated): gnomAD exomes below 0.00001; TOPMed 0.00001.
gnomAD v4.1: 7 of 1,612,112 alleles (0.00043%); highest among the groups gnomAD compares: Non-Finnish European, 0.00051%; no homozygotes.

Submissions (5):

Natera, Inc.
Classification: Likely pathogenic for Charlevoix-Saguenay type spastic ataxia. Last evaluated: 2024-05-13. Review status: criteria provided, single submitter. Criteria: Natera Variant Classification Schema (03/2026). Collection method: clinical testing. Allele origin: germline.
Comment: The c.2987T>G variant in SACS is a nonsense variant predicted to introduce a stop codon at amino acid 996. This variant is expected to result in nonsense mediated decay, truncation, or a dysfunctional protein product. This variant is rare in the general population with a frequency below the threshold expected for the associated phenotype(s). Given the available evidence, this variant is classified as Likely Pathogenic.

Baylor Genetics
Classification: Likely pathogenic for Charlevoix-Saguenay spastic ataxia. Last evaluated: 2024-03-28. Review status: criteria provided, single submitter. Criteria: ACMG Guidelines, 2015. Collection method: clinical testing. Allele origin: unknown.

Mayo Clinic Laboratories, Mayo Clinic
Classification: Pathogenic. Last evaluated: 2024-01-15. Review status: criteria provided, single submitter. Criteria: ACMG Guidelines, 2015. Collection method: clinical testing. Allele origin: germline. Observed: 1 variant allele.
Comment: PM2_moderate, PVS1_strong

Fulgent Genetics
Classification: Likely pathogenic for Charlevoix-Saguenay spastic ataxia. Last evaluated: 2024-01-02. Review status: criteria provided, single submitter. Criteria: ACMG Guidelines, 2015. Collection method: clinical testing. Allele origin: germline.

Labcorp Genetics (formerly Invitae), Labcorp
Classification: Pathogenic for Spastic paraplegia. Last evaluated: 2023-12-05. Review status: criteria provided, single submitter. Criteria: Invitae Variant Classification Sherloc (09022015). Collection method: clinical testing. Allele origin: germline.
Comment: This sequence change creates a premature translational stop signal (p.Leu996*) in the SACS gene. While this is not anticipated to result in nonsense mediated decay, it is expected to disrupt the last 3584 amino acid(s) of the SACS protein. This variant is not present in population databases (gnomAD no frequency). This variant has not been reported in the literature in individuals affected with SACS-related conditions. ClinVar contains an entry for this variant (Variation ID: 1424932). This variant disrupts a region of the SACS protein in which other variant(s) (p.Asn4549Asp) have been determined to be pathogenic (PMID: 15156359, 21507954). This suggests that this is a clinically significant region of the protein, and that variants that disrupt it are likely to be disease-causing. For these reasons, this variant has been classified as Pathogenic.

Literature cited by the submitters: PubMed 15156359 (cited by Labcorp Genetics (formerly Invitae), Labcorp); PubMed 21507954 (cited by Labcorp Genetics (formerly Invitae), Labcorp).